The following is an entry in ClinVar:

NM_001035.3(RYR2):c.2216G>A (p.Arg739His)

Gene: RYR2 (ryanodine receptor 2; plus strand). Cytogenetic location: 1q43.
Variant type: single nucleotide variant.
Coding change: c.2216G>A on transcript NM_001035.3 (MANE Select); coding-DNA position 2216, G replaced by A.
Protein change: p.Arg739His; replaces arginine 739 with histidine.
Molecular consequence: missense variant.
Genome position (GRCh38, 1-based): chr1:237,500,723, G>A. VCF-style: chr1-237500723-G-A. GRCh37 (hg19) VCF-style: chr1-237664023-G-A.
Other names: c.2216G>A, p.Arg739His (LRG_402t1); short protein forms R739H.
Identifiers: ClinVar variation 532387 (VCV000532387.20), dbSNP rs955065308, ClinGen allele CA39828434.
Genomic context (GRCh38, chr1:237,500,723, plus strand): 5'-CTGAGATAAAAAAATACATGACCTTCCTTAATGTTTTCCCCCCAATAGGTTGTATTGCTC[G>A]TACTGTAAGCTCACCAAACCAACATCTGTTAAGAACTGATGATGTCATCAGTTGCTGTTT-3'
Protein context (NP_001026.2, residues 729-749): GLHLWSGCIA[Arg739His]TVSSPNQHLL

ClinVar aggregate classification (germline): Uncertain significance. Review status: criteria provided, multiple submitters, no conflicts (2 of 4 stars). 5 submissions from 5 submitters: Uncertain significance (5). Last evaluated 2026-09-10.

Conditions:
Cardiomyopathy (CMYO). Also called: Cardiomyopathies. Identifiers: Orphanet 167848, MedGen C0878544, MONDO:0004994, HP:0001638. Inheritance: Various modes of inheritance.
Cardiovascular phenotype. Identifiers: MedGen CN230736.
Catecholaminergic polymorphic ventricular tachycardia (CVPT). Also called: Catecholamine-induced polymorphic ventricular tachycardia. Identifiers: Orphanet 3286, MedGen C5574922, MONDO:0017990.
Catecholaminergic polymorphic ventricular tachycardia 1. Also called: VENTRICULAR TACHYCARDIA, CATECHOLAMINERGIC POLYMORPHIC, 1, WITH OR WITHOUT ATRIAL DYSFUNCTION AND/OR DILATED CARDIOMYOPATHY; RYR2-Related Catecholaminergic Polymorphic Ventricular Tachycardia; VENTRICULAR TACHYCARDIA, STRESS-INDUCED POLYMORPHIC 1. Identifiers: Orphanet 3286, MedGen C1631597, MONDO:0011484, OMIM 604772.

Allele frequency attached by ClinVar (database versions not stated): gnomAD exomes below 0.00001; gnomAD 0.00001; TOPMed 0.00001.
gnomAD v4.1: 9 of 1,607,282 alleles (0.00056%); highest among the groups gnomAD compares: South Asian, 0.0011%; no homozygotes.

Submissions (5):

GeneDx
Classification: Uncertain significance. Last evaluated: 2026-09-10. Review status: criteria provided, single submitter. Criteria: GeneDx Variant Classification Process June 2021. Collection method: clinical testing. Allele origin: germline.
Comment: Identified in a patient with CPVT in published literature (PMID: 19926015); Not observed at significant frequency in large population cohorts (gnomAD); Not located in one of the three hot-spot regions of the RYR2 gene, where the majority of pathogenic missense variants occur (PMID: 19926015); This variant is associated with the following publications: (PMID: 24025405, 19926015, 32152366, 28404607)

Ambry Genetics
Classification: Uncertain significance for Cardiovascular phenotype. Last evaluated: 2026-08-26. Review status: criteria provided, single submitter. Criteria: Ambry Variant Classification Scheme 2023. Collection method: clinical testing. Allele origin: germline.
Comment: The p.R739H variant (also known as c.2216G>A), located in coding exon 21 of the RYR2 gene, results from a G to A substitution at nucleotide position 2216. The arginine at codon 739 is replaced by histidine, an amino acid with highly similar properties. This variant was reported in at least one individual with features consistent with RYR2-related ventricular arrhythmia (Medeiros-Domingo A et al. J Am Coll Cardiol, 2009 Nov;54:2065-74; Kapplinger JD et al. Circ Genom Precis Med, 2018 Feb;11:e001424; Olubando D et al. J Hum Genet, 2020 Jun;65:531-539). This amino acid position is highly conserved in available vertebrate species. In addition, the in silico prediction for this alteration is inconclusive. Based on the available evidence, the clinical significance of this variant remains unclear.

Labcorp Genetics (formerly Invitae), Labcorp
Classification: Uncertain significance for Catecholaminergic polymorphic ventricular tachycardia 1. Last evaluated: 2025-08-21. Review status: criteria provided, single submitter. Criteria: Invitae Variant Classification Sherloc (09022015). Collection method: clinical testing. Allele origin: germline.
Comment: This sequence change replaces arginine, which is basic and polar, with histidine, which is basic and polar, at codon 739 of the RYR2 protein (p.Arg739His). This variant is present in population databases (no rsID available, gnomAD 0.003%). This missense change has been observed in individual(s) with RYR2-related conditions (PMID: 19926015, 32152366). ClinVar contains an entry for this variant (Variation ID: 532387). Invitae Evidence Modeling of protein sequence and biophysical properties (such as structural, functional, and spatial information, amino acid conservation, physicochemical variation, residue mobility, and thermodynamic stability) indicates that this missense variant is not expected to disrupt RYR2 protein function with a negative predictive value of 95%. In summary, the available evidence is currently insufficient to determine the role of this variant in disease. Therefore, it has been classified as a Variant of Uncertain Significance.

All of Us Research Program, National Institutes of Health
Classification: Uncertain significance for Catecholaminergic polymorphic ventricular tachycardia. Last evaluated: 2023-12-01. Review status: criteria provided, single submitter. Criteria: ACMG Guidelines, 2015. Collection method: clinical testing. Allele origin: germline. Inheritance: Autosomal dominant inheritance. Observed: 3 variant alleles, 3 heterozygotes.
Comment: This missense variant replaces arginine with histidine at codon 739 of the RYR2 protein. Computational prediction suggests that this variant may not impact protein structure and function (internally defined REVEL score threshold <= 0.5, PMID: 27666373). To our knowledge, functional studies have not been reported for this variant. This variant has been reported in an individual affected with catecholaminergic polymorphic ventricular tachycardia or exercise-induced long QT syndrome (PMID: 19926015). This variant has also been detected in an individual affected with catecholaminergic polymorphic ventricular tachycardia (PMID: 29453246). This variant has been identified in 1/247952 chromosomes in the general population by the Genome Aggregation Database (gnomAD). The available evidence is insufficient to determine the role of this variant in disease conclusively. Therefore, this variant is classified as a Variant of Uncertain Significance.

This study involves interpretation of variants in research participants for the purpose of population health screening. Participant phenotype was not available at the time of variant classification. Additional details can be found in publication PMID: 35346344, PMCID: PMC8962531

Color Diagnostics, LLC DBA Color Health
Classification: Uncertain significance for Cardiomyopathy. Last evaluated: 2023-09-25. Review status: criteria provided, single submitter. Criteria: ACMG Guidelines, 2015. Collection method: clinical testing. Allele origin: germline.
Comment: This missense variant replaces arginine with histidine at codon 739 of the RYR2 protein. Computational prediction suggests that this variant may not impact protein structure and function (internally defined REVEL score threshold <= 0.5, PMID: 27666373). To our knowledge, functional studies have not been reported for this variant. This variant has been reported in an individual affected with catecholaminergic polymorphic ventricular tachycardia or exercise-induced long QT syndrome (PMID: 19926015). This variant has also been detected in an individual affected with catecholaminergic polymorphic ventricular tachycardia (PMID: 29453246). This variant has been identified in 1/247952 chromosomes in the general population by the Genome Aggregation Database (gnomAD). The available evidence is insufficient to determine the role of this variant in disease conclusively. Therefore, this variant is classified as a Variant of Uncertain Significance.

Literature cited by the submitters: PubMed 19926015 (cited by 4 submitters); PubMed 29453246 (cited by 3 submitters); PubMed 32152366 (cited by Ambry Genetics and Labcorp Genetics (formerly Invitae), Labcorp).